The following is an entry in ClinVar:

ClinVar aggregate classification (germline): Benign. Review status: criteria provided, multiple submitters, no conflicts (2 of 4 stars). 4 submissions from 4 submitters: Benign (4). Last evaluated 2025-12-03.

Conditions:
VIPAS39-related disorder. Also called: VIPAS39-related condition.

Allele frequency attached by ClinVar (database versions not stated): gnomAD 0.00001 and 0.00020; TOPMed 0.00006; gnomAD exomes 0.00049 and 0.00117; 1000 Genomes Project 0.00060; 1000 Genomes Project 30x 0.00078; ExAC 0.00126.
gnomAD v4.1: 763 of 1,613,908 alleles (0.047%); highest among the groups gnomAD compares: South Asian, 0.79%; 12 homozygotes.

Submissions (4):

Labcorp Genetics (formerly Invitae), Labcorp
Classification: Benign. Last evaluated: 2025-12-03. Review status: criteria provided, single submitter. Criteria: Invitae Variant Classification Sherloc (09022015). Collection method: clinical testing. Allele origin: germline.

PreventionGenetics, part of Exact Sciences
Classification: Benign for VIPAS39-related condition. Last evaluated: 2025-01-22. Review status: criteria provided, single submitter. Criteria: ACMG Guidelines, 2015. Collection method: clinical testing. Allele origin: germline.
Comment: This variant is classified as benign based on ACMG/AMP sequence variant interpretation guidelines (Richards et al. 2015 PMID: 25741868, with internal and published modifications).

Eurofins Ntd Llc (ga)
Classification: Benign. Last evaluated: 2017-02-01. Review status: criteria provided, single submitter. Criteria: EGL Classification Definitions 2015. Collection method: clinical testing. Allele origin: germline. Observed: 1 variant allele, 1 heterozygote.

Breakthrough Genomics
Classification: Benign. Review status: criteria provided, single submitter. Criteria: ACMG Guidelines, 2015. Collection method: not provided. Allele origin: germline. Inheritance: Autosomal recessive inheritance. Affected: yes.

NM_001193315.2(VIPAS39):c.1014C>T (p.Phe338=)

Gene: VIPAS39 (VPS33B interacting protein, apical-basolateral polarity regulator, spe-39 homolog; minus strand). Cytogenetic location: 14q24.3.
Variant type: single nucleotide variant.
Coding change: c.1014C>T on transcript NM_001193315.2 (MANE Select); coding-DNA position 1014, C replaced by T.
Protein change: p.Phe338=; no amino-acid change (phenylalanine 338 retained).
Molecular consequence: synonymous variant.
Genome position (GRCh38, 1-based): chr14:77,435,292, G>A on the plus strand (C>T on the coding strand, the complement: VIPAS39 is on the minus strand). VCF-style: chr14-77435292-G-A. GRCh37 (hg19) VCF-style: chr14-77901635-G-A.
Other names: c.1014C>T, p.Phe338= (NM_001193314.2, NM_001193317.2, NM_022067.4); c.867C>T, p.Phe289= (NM_001193316.2).
Identifiers: ClinVar variation 500248 (VCV000500248.15), dbSNP rs199839422, ClinGen allele CA7287865.